The following is an entry in ClinVar:

NM_000381.4(MID1):c.99C>T (p.Cys33=)

Gene: MID1 (midline 1; minus strand). Cytogenetic location: Xp22.2.
Variant type: single nucleotide variant.
Coding change: c.99C>T on transcript NM_000381.4 (MANE Select); coding-DNA position 99, C replaced by T.
Protein change: p.Cys33=; no amino-acid change (cysteine 33 retained).
Molecular consequence: synonymous variant.
Genome position (GRCh38, 1-based): chrX:10,567,449, G>A on the plus strand (C>T on the coding strand, the complement: MID1 is on the minus strand). VCF-style: chrX-10567449-G-A. GRCh37 (hg19) VCF-style: chrX-10535489-G-A.
Other names: c.99C>T, p.Cys33= (NM_001098624.2, NM_001193277.1, NM_001193278.1 and 5 more transcripts).
Identifiers: ClinVar variation 167298 (VCV000167298.34), dbSNP rs727504015, ClinGen allele CA234271.

ClinVar aggregate classification (germline): Conflicting classifications of pathogenicity. Review status: criteria provided, conflicting classifications (1 of 4 stars). 4 submissions from 4 submitters: Uncertain significance (1); Benign (1); Likely benign (2). Last evaluated 2026-01-16.

Allele frequency attached by ClinVar (database versions not stated): TOPMed 0.00003; gnomAD 0.00005; gnomAD exomes 0.00011; ExAC 0.00016.
gnomAD v4.1: 130 of 1,209,634 alleles (0.011%); highest among the groups gnomAD compares: Middle Eastern, 0.023%; no homozygotes.

Submissions (4):

Labcorp Genetics (formerly Invitae), Labcorp
Classification: Benign. Last evaluated: 2026-01-16. Review status: criteria provided, single submitter. Criteria: Invitae Variant Classification Sherloc (09022015). Collection method: clinical testing. Allele origin: germline.

Blueprint Genetics
Classification: Likely benign. Last evaluated: 2024-03-05. Review status: criteria provided, single submitter. Criteria: ACMG Guidelines, 2015. Collection method: clinical testing. Allele origin: germline.

CeGaT Center for Human Genetics Tuebingen
Classification: Likely benign. Last evaluated: 2023-08-01. Review status: criteria provided, single submitter. Criteria: CeGaT Center For Human Genetics Tuebingen Variant Classification Criteria Version 2. Collection method: clinical testing. Allele origin: germline. Affected: yes. Observed: 2 variant alleles.
Comment: MID1: BP4, BP7, BS2

Eurofins Ntd Llc (ga)
Classification: Uncertain significance. Last evaluated: 2014-01-15. Review status: criteria provided, single submitter. Criteria: EGL Classification Definitions 2015. Collection method: clinical testing. Allele origin: germline. Observed: 1 variant allele, 1 heterozygote.